The following is an entry in ClinVar:

ClinVar aggregate classification (germline): Likely pathogenic (1 of 4 stars; one submission).

Conditions:
Dilated cardiomyopathy 1G (CMD1G). Identifiers: Orphanet 154, MedGen C1858763, MONDO:0011400, OMIM 604145.
Autosomal recessive limb-girdle muscular dystrophy type 2J (LGMDR10). Also called: Limb-girdle muscular dystrophy, type 2J; MUSCULAR DYSTROPHY, LIMB-GIRDLE, AUTOSOMAL RECESSIVE 10. Identifiers: Orphanet 140922, MedGen C1837342, MONDO:0012127, OMIM 608807.

Submission:

Labcorp Genetics (formerly Invitae), Labcorp
Classification: Likely pathogenic for Dilated cardiomyopathy 1G; Autosomal recessive limb-girdle muscular dystrophy type 2J. Last evaluated: 2025-11-10. Review status: criteria provided, single submitter. Criteria: Invitae Variant Classification Sherloc (09022015). Collection method: clinical testing. Allele origin: germline.
Comment: This sequence change creates a premature translational stop signal (p.Gln35219*) in the TTN gene. While this is not anticipated to result in nonsense mediated decay, it is expected to create a truncated TTN protein. This variant is not present in population databases (gnomAD no frequency). This variant has not been reported in the literature in individuals affected with TTN-related conditions. ClinVar contains an entry for this variant (Variation ID: 2926300). This variant is located in the M band of TTN (PMID: 25589632). Truncating variants in this region have been previously reported in individuals affected with autosomal dominant or autosomal recessive myopathy and muscular dystrophy (PMID: 18948003, 23975875, 24395473). Truncating variants in this region have also been identified in individuals affected with autosomal dominant dilated cardiomyopathy and/or cardio-related conditions (PMID: 27869827, 32964742, internal data). In summary, the currently available evidence indicates that the variant is pathogenic, but additional data are needed to prove that conclusively. Therefore, this variant has been classified as Likely Pathogenic.

Literature cited by the submitters: PubMed 25589632; PubMed 18948003; PubMed 23975875; PubMed 24395473; PubMed 27869827; PubMed 32964742.

NM_001267550.2(TTN):c.105655C>T (p.Gln35219Ter)

Genes: TTN-AS1 (TTN antisense RNA 1; plus strand), TTN (titin; minus strand), LOC129935183 (ATAC-STARR-seq lymphoblastoid active region 16808; plus strand). Cytogenetic location: 2q31.2.
Variant type: single nucleotide variant.
Coding change: c.105655C>T on transcript NM_001267550.2 (MANE Select); coding-DNA position 105655, C replaced by T.
Protein change: p.Gln35219Ter; replaces glutamine 35219 with a stop codon.
Molecular consequence: nonsense.
Genome position (GRCh38, 1-based): chr2:178,530,960, G>A on the plus strand (C>T on the coding strand, the complement: TTN is on the minus strand). VCF-style: chr2-178530960-G-A. GRCh37 (hg19) VCF-style: chr2-179395687-G-A.
Other names: c.100732C>T, p.Gln33578Ter (NM_001256850.1); c.78460C>T, p.Gln26154Ter (NM_003319.4); c.97951C>T, p.Gln32651Ter (NM_133378.4); c.78835C>T, p.Gln26279Ter (NM_133432.3); c.79036C>T, p.Gln26346Ter (NM_133437.4); short protein forms Q35219*, Q26154*, Q33578*, Q26279*, Q26346*, Q32651*.
Identifiers: ClinVar variation 2926300 (VCV002926300.3), dbSNP rs2468390355, ClinGen allele CA349408207.